The following is an entry in ClinVar:

ClinVar aggregate classification (germline): Uncertain significance. Review status: criteria provided, multiple submitters, no conflicts (2 of 4 stars). 3 submissions from 3 submitters: Uncertain significance (3). Last evaluated 2024-09-30.

Conditions:
Inborn genetic diseases. Identifiers: MedGen C0950123, MeSH D030342.

Allele frequency attached by ClinVar (database versions not stated): TOPMed 0.00001; gnomAD 0.00002.
gnomAD v4.1: 20 of 1,577,344 alleles (0.0013%); highest among the groups gnomAD compares: Admixed American, 0.011%; no homozygotes.

Submissions (3):

Ambry Genetics
Classification: Uncertain significance for Inborn genetic diseases. Last evaluated: 2024-09-30. Review status: criteria provided, single submitter. Criteria: Ambry Variant Classification Scheme 2023. Collection method: clinical testing. Allele origin: germline.

GeneDx
Classification: Uncertain significance. Last evaluated: 2023-11-01. Review status: criteria provided, single submitter. Criteria: GeneDx Variant Classification Process June 2021. Collection method: clinical testing. Allele origin: germline. Affected: yes.
Comment: In silico analysis supports that this missense variant does not alter protein structure/function; Has not been previously published as pathogenic or benign to our knowledge

Labcorp Genetics (formerly Invitae), Labcorp
Classification: Uncertain significance. Last evaluated: 2022-07-21. Review status: criteria provided, single submitter. Criteria: Invitae Variant Classification Sherloc (09022015). Collection method: clinical testing. Allele origin: germline.
Comment: This sequence change replaces glutamic acid, which is acidic and polar, with lysine, which is basic and polar, at codon 106 of the DDRGK1 protein (p.Glu106Lys). The frequency data for this variant in the population databases is considered unreliable, as metrics indicate poor data quality at this position in the gnomAD database. This variant has not been reported in the literature in individuals affected with DDRGK1-related conditions. Algorithms developed to predict the effect of missense changes on protein structure and function are either unavailable or do not agree on the potential impact of this missense change (SIFT: "Not Available"; PolyPhen-2: "Possibly Damaging"; Align-GVGD: "Not Available"). In summary, the available evidence is currently insufficient to determine the role of this variant in disease. Therefore, it has been classified as a Variant of Uncertain Significance.

NM_023935.3(DDRGK1):c.316G>A (p.Glu106Lys)

Gene: DDRGK1 (DDRGK domain containing 1; minus strand). Cytogenetic location: 20p13.
Variant type: single nucleotide variant.
Coding change: c.316G>A on transcript NM_023935.3 (MANE Select); coding-DNA position 316, G replaced by A.
Protein change: p.Glu106Lys; replaces glutamic acid 106 with lysine.
Molecular consequence: missense variant.
Genome position (GRCh38, 1-based): chr20:3,200,434, C>T on the plus strand (G>A on the coding strand, the complement: DDRGK1 is on the minus strand). VCF-style: chr20-3200434-C-T. GRCh37 (hg19) VCF-style: chr20-3181080-C-T.
Other names: c.316G>A (NM_023935.2, NM_023935.1); short protein forms E106K.
Identifiers: ClinVar variation 2186858 (VCV002186858.3), dbSNP rs746810966, ClinGen allele CA310953522.